The following is an entry in ClinVar:

ClinVar aggregate classification (germline): Likely benign. Review status: criteria provided, single submitter (1 of 4 stars). 2 submissions from 2 submitters: Likely benign (1). 1 of the submissions does not count toward it. Last evaluated 2025-12-12.

Conditions:
LIMS2-related disorder. Also called: LIMS2-related condition.
Autosomal recessive limb-girdle muscular dystrophy type 2W (MDRCMTT). Also called: Muscular dystrophy, limb-girdle, type 2W; Muscular dystrophy, autosomal recessive, with cardiomyopathy and triangular tongue. Identifiers: MedGen C4225192, MONDO:0014788, OMIM 616827.

Allele frequency attached by ClinVar (database versions not stated): gnomAD 0.00013 and 0.00014; gnomAD exomes 0.00022 and 0.00059; TOPMed 0.00022; ExAC 0.00046.
gnomAD v4.1: 348 of 1,613,590 alleles (0.022%); highest among the groups gnomAD compares: Admixed American, 0.26%; 1 homozygote.

Submissions (2):

Labcorp Genetics (formerly Invitae), Labcorp
Classification: Likely benign for Autosomal recessive limb-girdle muscular dystrophy type 2W. Last evaluated: 2025-12-12. Review status: criteria provided, single submitter. Criteria: Invitae Variant Classification Sherloc (09022015). Collection method: clinical testing. Allele origin: germline.

PreventionGenetics, part of Exact Sciences
Classification: Likely benign for LIMS2-related condition. Last evaluated: 2020-03-25. Review status: no assertion criteria provided. Collection method: clinical testing. Allele origin: germline. Not counted in ClinVar's aggregate classification.
Comment: This variant is classified as likely benign based on ACMG/AMP sequence variant interpretation guidelines (Richards et al. 2015 PMID: 25741868, with internal and published modifications).

NM_001161403.3(LIMS2):c.95A>G (p.Asn32Ser)

Gene: LIMS2 (LIM zinc finger domain containing 2; minus strand). Cytogenetic location: 2q14.3.
Variant type: single nucleotide variant.
Coding change: c.95A>G on transcript NM_001161403.3 (MANE Select); coding-DNA position 95, A replaced by G.
Protein change: p.Asn32Ser; replaces asparagine 32 with serine.
Molecular consequence: missense variant.
Genome position (GRCh38, 1-based): chr2:127,657,479, T>C on the plus strand (A>G on the coding strand, the complement: LIMS2 is on the minus strand). VCF-style: chr2-127657479-T-C. GRCh37 (hg19) VCF-style: chr2-128415053-T-C.
Other names: c.161A>G, p.Asn54Ser (NM_001136037.4); c.80A>G, p.Asn27Ser (NM_001161404.2); c.167A>G, p.Asn56Ser (NM_017980.5); c.167A>G (NM_017980.4); short protein forms N56S, N27S, N32S, N54S.
Identifiers: ClinVar variation 702630 (VCV000702630.9), dbSNP rs764187109, ClinGen allele CA1863572.